The following is an entry in ClinVar:

ClinVar aggregate classification (germline): Likely pathogenic. Review status: criteria provided, multiple submitters, no conflicts (2 of 4 stars). 4 submissions from 4 submitters: Likely pathogenic (3). 1 of the submissions does not count toward it. Last evaluated 2024-05-06.

Conditions:
Autosomal recessive Alport syndrome (ATS2). Also called: ALPORT SYNDROME 2, AUTOSOMAL RECESSIVE; Alport syndrome type 2; COL4A3-Related Nephropathy; COL4A4 Alport Syndrome and Thin Basement Membrane Nephropathy. Identifiers: Orphanet 63, Orphanet 88919, MedGen C4746745, MONDO:0008762, OMIM 203780.
Alport syndrome. Also called: Hemorrhagic familial nephritis; Hemorrhagic hereditary nephritis; Congenital hereditary hematuria. Identifiers: Orphanet 63, MedGen C1567741, MONDO:0018965.
Autosomal dominant Alport syndrome (ATS3A). Also called: Alport syndrome dominant type; Renal failure and sensorineural hearing loss; ALPORT SYNDROME 3A, AUTOSOMAL DOMINANT. Identifiers: Orphanet 63, Orphanet 88918, MedGen C5882663, MONDO:0007086, OMIM 104200.
Hematuria, benign familial, 2 (BFH2). Identifiers: MedGen C5830421, MONDO:0958186, OMIM 620320.
Alport syndrome 3b, autosomal recessive. Identifiers: MedGen C5882699, MONDO:0957811, OMIM 620536.

gnomAD v4.1: 1 of 1,599,892 alleles (0.000063%); highest among the groups gnomAD compares: Non-Finnish European, 0.000085%; no homozygotes.

Submissions (4):

Natera, Inc.
Classification: Likely pathogenic for Alport syndrome. Last evaluated: 2024-05-06. Review status: criteria provided, single submitter. Criteria: Natera Variant Classification Schema (03/2026). Collection method: clinical testing. Allele origin: germline.
Comment: The c.2223+1G>A variant in COL4A3 is a canonical splice donor site variant predicted to affect pre-mRNA splicing, which may result in an abnormal transcript and altered protein product. This variant is expected to result in nonsense mediated decay, truncation, or a dysfunctional protein product. This variant is rare in the general population with a frequency below the threshold expected for the associated phenotype(s). Given the available evidence, this variant is classified as Likely Pathogenic.

Fulgent Genetics
Classification: Likely pathogenic for Autosomal dominant Alport syndrome; Hematuria, benign familial, 2; Alport syndrome 3b, autosomal recessive. Last evaluated: 2024-03-31. Review status: criteria provided, single submitter. Criteria: ACMG Guidelines, 2015. Collection method: clinical testing. Allele origin: germline.

Labcorp Genetics (formerly Invitae), Labcorp
Classification: Likely pathogenic. Last evaluated: 2021-09-26. Review status: criteria provided, single submitter. Criteria: Invitae Variant Classification Sherloc (09022015). Collection method: clinical testing. Allele origin: germline.
Comment: This sequence change affects a donor splice site in intron 29 of the COL4A3 gene. It is expected to disrupt RNA splicing. Variants that disrupt the donor or acceptor splice site typically lead to a loss of protein function (PMID: 16199547), and loss-of-function variants in COL4A3 are known to be pathogenic (PMID: 8956999, 24854265, 26809805, 27281700). In summary, the currently available evidence indicates that the variant is pathogenic, but additional data are needed to prove that conclusively. Therefore, this variant has been classified as Likely Pathogenic. Algorithms developed to predict the effect of sequence changes on RNA splicing suggest that this variant may disrupt the consensus splice site. ClinVar contains an entry for this variant (Variation ID: 555302). This variant has not been reported in the literature in individuals affected with COL4A3-related conditions. This variant is not present in population databases (ExAC no frequency).

Counsyl
Classification: Likely pathogenic for Autosomal recessive Alport syndrome. Last evaluated: 2017-11-29. Review status: no assertion criteria provided. Collection method: clinical testing. Allele origin: unknown. Not counted in ClinVar's aggregate classification.

Literature cited by the submitters: PubMed 16199547 (cited by Labcorp Genetics (formerly Invitae), Labcorp); PubMed 8956999 (cited by Labcorp Genetics (formerly Invitae), Labcorp); PubMed 24854265 (cited by Labcorp Genetics (formerly Invitae), Labcorp); PubMed 26809805 (cited by Labcorp Genetics (formerly Invitae), Labcorp); PubMed 27281700 (cited by Labcorp Genetics (formerly Invitae), Labcorp).

NM_000091.5(COL4A3):c.2223+1G>A

Genes: MFF-DT (MFF divergent transcript; minus strand), COL4A3 (collagen type IV alpha 3 chain; plus strand). Cytogenetic location: 2q36.3.
Variant type: single nucleotide variant.
Coding change: c.2223+1G>A on transcript NM_000091.5 (MANE Select); the canonical splice donor site of the intron after coding-DNA position 2223, G replaced by A.
Molecular consequence: splice donor variant.
Genome position (GRCh38, 1-based): chr2:227,279,891, G>A. VCF-style: chr2-227279891-G-A. GRCh37 (hg19) VCF-style: chr2-228144607-G-A.
Identifiers: ClinVar variation 555302 (VCV000555302.10), dbSNP rs1553759476, ClinGen allele CA350848026.